The following is an entry in ClinVar:

NM_000132.4(F8):c.4333T>C (p.Ser1445Pro)

Gene: F8 (coagulation factor VIII; minus strand). Cytogenetic location: Xq28.
Variant type: single nucleotide variant.
Coding change: c.4333T>C on transcript NM_000132.4 (MANE Select); coding-DNA position 4333, T replaced by C.
Protein change: p.Ser1445Pro; replaces serine 1445 with proline.
Molecular consequence: missense variant.
Genome position (GRCh38, 1-based): chrX:154,929,457, A>G on the plus strand (T>C on the coding strand, the complement: F8 is on the minus strand). VCF-style: chrX-154929457-A-G. GRCh37 (hg19) VCF-style: chrX-154157732-A-G.
Other names: c.4333T>C (NM_000132.3); short protein forms S1445P.
Identifiers: ClinVar variation 1330979 (VCV001330979.12), dbSNP rs146153504, ClinGen allele CA10568121.
Genomic context (GRCh38, chrX:154,929,457, plus strand): 5'-CTAAAGAAAGGTTATTTTTTTTGGCTCCTTGTAAGAAATGACTGCTTTCTTGGACCCCAG[A>G]ATCTTTCTTTCTATAAGATGCTGCTGGAAGATGAGAAGAGTTGTCTTGGAATAGGACCCT-3'
Protein context (NP_000123.1, residues 1435-1455): LPAASYRKKD[Ser1445Pro]GVQESSHFLQ

ClinVar aggregate classification (germline): Likely benign. Review status: criteria provided, multiple submitters, no conflicts (2 of 4 stars). 3 submissions from 3 submitters: Likely benign (2). 1 of the submissions does not count toward it. Last evaluated 2025-04-14.

Conditions:
F8-related disorder. Also called: F8-related condition.
Hereditary factor VIII deficiency disease (HEMA). Also called: HEMOPHILIA, CLASSIC; AUTOSOMAL HEMOPHILIA A; Hemophilia A; Hemophilia A, congenital; HEM A; Factor 8 deficiency, congenital. Identifiers: Orphanet 98878, MedGen C0019069, MONDO:0010602, OMIM 306700.

Allele frequency attached by ClinVar (database versions not stated): gnomAD exomes 0.00012 and 0.00044; ExAC 0.00053; ESP Exome Variant Server 0.00085; gnomAD 0.00122 and 0.00129; TOPMed 0.00139; 1000 Genomes Project 30x 0.00208; 1000 Genomes Project 0.00212.
gnomAD v4.1: 278 of 1,209,895 alleles (0.023%); highest among the groups gnomAD compares: African/African-American, 0.41%; no homozygotes.

Submissions (3):

Women's Health and Genetics/Laboratory Corporation of America, LabCorp
Classification: Likely benign. Last evaluated: 2025-04-14. Review status: criteria provided, single submitter. Criteria: LabCorp Variant Classification Summary - May 2015. Collection method: clinical testing. Allele origin: germline.
Comment: Variant summary: F8 c.4333T>C (p.Ser1445Pro) results in a non-conservative amino acid change in the encoded protein sequence. Three of five in-silico tools predict a benign effect of the variant on protein function. The variant allele was found at a frequency of 0.00044 in 182840 control chromosomes, predominantly at a frequency of 0.005 within the African or African-American subpopulation in the gnomAD database. This includes multiple hemizygous males, suggesting the variant is a benign polymorphism. c.4333T>C has been observed in individuals affected with Factor VIII Deficiency (Hemophilia A)(e.g., Viel_2009). These reports do not provide unequivocal conclusions about association of the variant with Factor VIII Deficiency (Hemophilia A). To our knowledge, no experimental evidence demonstrating an impact on protein function has been reported. The following publication has been ascertained in the context of this evaluation (PMID: 19369668). ClinVar contains an entry for this variant (Variation ID: 1330979). Based on the evidence outlined above, the variant was classified as likely benign.

ARUP Laboratories, Molecular Genetics and Genomics, ARUP Laboratories
Classification: Likely benign for Hereditary factor VIII deficiency disease. Last evaluated: 2021-01-10. Review status: criteria provided, single submitter. Criteria: ARUP Molecular Germline Variant Investigation Process 2021. Collection method: clinical testing. Allele origin: germline.

PreventionGenetics, part of Exact Sciences
Classification: Likely benign for F8-related condition. Last evaluated: 2020-03-04. Review status: no assertion criteria provided. Collection method: clinical testing. Allele origin: germline. Not counted in ClinVar's aggregate classification.
Comment: This variant is classified as likely benign based on ACMG/AMP sequence variant interpretation guidelines (Richards et al. 2015 PMID: 25741868, with internal and published modifications).

Literature cited by the submitters: PubMed 19369668 (cited by Women's Health and Genetics/Laboratory Corporation of America, LabCorp).